The following is an entry in ClinVar:

NM_005591.4(MRE11):c.1609G>C (p.Ala537Pro)

Gene: MRE11 (MRE11 double strand break repair nuclease; minus strand). Cytogenetic location: 11q21.
Variant type: single nucleotide variant.
Coding change: c.1609G>C on transcript NM_005591.4 (MANE Select); coding-DNA position 1609, G replaced by C.
Protein change: p.Ala537Pro; replaces alanine 537 with proline.
Molecular consequence: missense variant.
Genome position (GRCh38, 1-based): chr11:94,447,393, C>G on the plus strand (G>C on the coding strand, the complement: MRE11 is on the minus strand). VCF-style: chr11-94447393-C-G. GRCh37 (hg19) VCF-style: chr11-94180559-C-G.
Other names: c.1609G>C, p.Ala537Pro (NM_001330347.2, NM_005590.4); short protein forms A537P.
Identifiers: ClinVar variation 141558 (VCV000141558.9), dbSNP rs587781839, ClinGen allele CA165774.

ClinVar aggregate classification (germline): Uncertain significance. Review status: criteria provided, multiple submitters, no conflicts (2 of 4 stars). 2 submissions from 2 submitters: Uncertain significance (2). Last evaluated 2023-09-09.

Conditions:
Hereditary cancer-predisposing syndrome. Also called: Neoplastic Syndromes, Hereditary; Tumor predisposition; Hereditary Cancer Syndrome; Hereditary neoplastic syndrome. Identifiers: Orphanet 140162, MedGen C0027672, MeSH D009386, MONDO:0015356.
Ataxia-telangiectasia-like disorder 1 (ATLD1). Identifiers: Orphanet 251347, MedGen C4012790, MONDO:0024557, OMIM 604391.

Allele frequency attached by ClinVar (database versions not stated): gnomAD exomes below 0.00001.

Submissions (2):

Ambry Genetics
Classification: Uncertain significance for Hereditary cancer-predisposing syndrome. Last evaluated: 2023-09-09. Review status: criteria provided, single submitter. Criteria: Ambry Variant Classification Scheme 2023. Collection method: clinical testing. Allele origin: germline.
Comment: The p.A537P variant (also known as c.1609G>C), located in coding exon 14 of the MRE11A gene, results from a G to C substitution at nucleotide position 1609. The alanine at codon 537 is replaced by proline, an amino acid with highly similar properties. This amino acid position is not well conserved in available vertebrate species. In addition, this alteration is predicted to be tolerated by in silico analysis. Since supporting evidence is limited at this time, the clinical significance of this alteration remains unclear.

Revvity Omics, Revvity
Classification: Uncertain significance for Ataxia-telangiectasia-like disorder 1. Last evaluated: 2020-03-09. Review status: criteria provided, single submitter. Criteria: ACMG Guidelines, 2015. Collection method: clinical testing. Allele origin: germline.